The following is an entry in ClinVar:

NM_020821.3(VPS13C):c.5142T>A (p.Ser1714=)

Gene: VPS13C (vacuolar protein sorting 13 homolog C; minus strand). Cytogenetic location: 15q22.2.
Variant type: single nucleotide variant.
Coding change: c.5142T>A on transcript NM_020821.3 (MANE Select); coding-DNA position 5142, T replaced by A.
Protein change: p.Ser1714=; no amino-acid change (serine 1714 retained).
Molecular consequence: synonymous variant.
Genome position (GRCh38, 1-based): chr15:61,945,721, A>T on the plus strand (T>A on the coding strand, the complement: VPS13C is on the minus strand). VCF-style: chr15-61945721-A-T. GRCh37 (hg19) VCF-style: chr15-62237920-A-T.
Other names: p.Ser1714=; c.5142T>A, p.Ser1714= (NM_001018088.3); c.5013T>A, p.Ser1671= (NM_017684.5, NM_018080.4).
Identifiers: ClinVar variation 1458795 (VCV001458795.10), dbSNP rs2044582251, ClinGen allele CA490644992.
Genomic context (GRCh38, chr15:61,945,721, plus strand): 5'-TAAGCAAAGATATTTAGGCCTCAGTGAGGAATAAATATATTTTTAAAAACTTACCAAAAG[A>T]GACATGAAGAATTTATGAACATAAACAATCTGAATACAACCCACTTTAAAACTAAGTTTG-3'
Protein context (NP_065872.1, residues 1704-1724): QIVYVHKFFM[Ser1714=]LLNFLNNFQT

ClinVar aggregate classification (germline): Likely benign. Review status: criteria provided, multiple submitters, no conflicts (2 of 4 stars). 2 submissions from 2 submitters: Likely benign (2). Last evaluated 2025-02-19.

Allele frequency attached by ClinVar (database versions not stated): gnomAD 0.00001; TOPMed 0.00001.
gnomAD v4.1: 5 of 1,581,490 alleles (0.00032%); highest among the groups gnomAD compares: Non-Finnish European, 0.00043%; no homozygotes.

Submissions (2):

Mayo Clinic Laboratories, Mayo Clinic
Classification: Likely benign. Last evaluated: 2025-02-19. Review status: criteria provided, single submitter. Criteria: ACMG Guidelines, 2015. Collection method: clinical testing. Allele origin: germline. Observed: 1 variant allele.
Comment: BP4, BP7

Labcorp Genetics (formerly Invitae), Labcorp
Classification: Likely benign. Last evaluated: 2022-08-09. Review status: criteria provided, single submitter. Criteria: Invitae Variant Classification Sherloc (09022015). Collection method: clinical testing. Allele origin: germline.